The following is an entry in ClinVar:

NM_000260.4(MYO7A):c.632G>A (p.Ser211Asn)

Gene: MYO7A (myosin VIIA; plus strand). Cytogenetic location: 11q13.5.
Variant type: single nucleotide variant.
Coding change: c.632G>A on transcript NM_000260.4 (MANE Select); coding-DNA position 632, G replaced by A.
Protein change: p.Ser211Asn; replaces serine 211 with asparagine.
Molecular consequence: missense variant.
Genome position (GRCh38, 1-based): chr11:77,156,901, G>A. VCF-style: chr11-77156901-G-A. GRCh37 (hg19) VCF-style: chr11-76867947-G-A.
Other names: c.632G>A, p.Ser211Asn (NM_001127180.2); c.599G>A, p.Ser200Asn (NM_001369365.1); short protein forms S200N, S211N.
Identifiers: ClinVar variation 1189484 (VCV001189484.3), dbSNP rs2135238665, ClinGen allele CA381932095.

ClinVar aggregate classification (germline): Uncertain significance. Review status: criteria provided, multiple submitters, no conflicts (2 of 4 stars). 2 submissions from 2 submitters: Uncertain significance (2). Last evaluated 2026-07-30.

Conditions:
Usher syndrome type 1 (USH1). Also called: RETINITIS PIGMENTOSA AND CONGENITAL DEAFNESS. Identifiers: Orphanet 231169, Orphanet 886, MedGen C1568247, MONDO:0010168, OMIM 276900.

Submissions (2):

Myriad Genetics, Inc.
Classification: Uncertain significance for Usher syndrome type 1. Last evaluated: 2026-07-30. Review status: criteria provided, single submitter. Criteria: Myriad Autosomal Dominant, Autosomal Recessive and X-Linked Classification Criteria (2023). Collection method: clinical testing. Allele origin: unknown.
Comment: NM_000260.3(MYO7A):c.632G>A(S211N) is a missense variant classified as a variant of uncertain significance in the context of MYO7A-related disorders. S211N has not been observed in cases with relevant disease. Relevant functional assessments of this variant are not available in the literature. S211N has not been observed in referenced population frequency databases. In summary, there is insufficient evidence to classify NM_000260.3(MYO7A):c.632G>A(S211N) as pathogenic or benign. Please note: this variant was assessed in the context of healthy population screening.

GeneDx
Classification: Uncertain significance. Last evaluated: 2019-12-05. Review status: criteria provided, single submitter. Criteria: GeneDx Variant Classification Process June 2021. Collection method: clinical testing. Allele origin: germline. Affected: yes.
Comment: Not observed in large population cohorts (Lek et al., 2016); In silico analysis, which includes protein predictors and evolutionary conservation, supports a deleterious effect; Has not been previously published as pathogenic or benign to our knowledge